The following is an entry in ClinVar:

NM_004999.4(MYO6):c.1139G>T (p.Gly380Val)

Gene: MYO6 (myosin VI; plus strand). Cytogenetic location: 6q14.1.
Variant type: single nucleotide variant.
Coding change: c.1139G>T on transcript NM_004999.4 (MANE Select); coding-DNA position 1139, G replaced by T.
Protein change: p.Gly380Val; replaces glycine 380 with valine.
Molecular consequence: missense variant. On other transcripts: non-coding transcript variant (1).
Genome position (GRCh38, 1-based): chr6:75,855,199, G>T. VCF-style: chr6-75855199-G-T. GRCh37 (hg19) VCF-style: chr6-76564916-G-T.
Other names: c.1139G>T, p.Gly380Val (NM_001300899.2, NM_001368136.1, NM_001368137.1 and 2 more transcripts); c.1124G>T, p.Gly375Val (NM_001368138.1); c.1139G>T (NM_004999.3); short protein forms G375V, G380V.
Identifiers: ClinVar variation 2433972 (VCV002433972.6), dbSNP rs1490446690, ClinGen allele CA364757146.

ClinVar aggregate classification (germline): Uncertain significance. Review status: criteria provided, multiple submitters, no conflicts (2 of 4 stars). 4 submissions from 4 submitters: Uncertain significance (4). Last evaluated 2026-02-24.

Conditions:
Autosomal dominant nonsyndromic hearing loss 22. Also called: Autosomal dominant nonsyndromic deafness 22; DFNA 22. Identifiers: Orphanet 228012, MedGen C2931767, MONDO:0011660, OMIM 606346.
Autosomal recessive nonsyndromic hearing loss 37. Identifiers: Orphanet 90636, MedGen C1843028, MONDO:0011912, OMIM 607821.
MYO6-related disorder. Also called: MYO6-related disorders; MYO6-related condition.

gnomAD v4.1: 26 of 1,613,336 alleles (0.0016%); highest among the groups gnomAD compares: Non-Finnish European, 0.002%; no homozygotes.

Submissions (4):

PreventionGenetics, part of Exact Sciences
Classification: Uncertain significance for MYO6-related condition. Last evaluated: 2026-02-24. Review status: criteria provided, single submitter. Criteria: ACMG Guidelines, 2015. Collection method: clinical testing. Allele origin: germline.
Comment: The MYO6 c.1139G>T variant is predicted to result in the amino acid substitution p.Gly380Val. To our knowledge, this variant has not been reported in the literature. This variant is reported in 0.0040% of alleles in individuals of African descent in gnomAD. At this time, the clinical significance of this variant is uncertain due to the absence of conclusive functional and genetic evidence.

Department of Pathology and Laboratory Medicine, Sinai Health System
Classification: Uncertain significance for Autosomal dominant nonsyndromic hearing loss 22; Autosomal recessive nonsyndromic hearing loss 37. Last evaluated: 2023-01-31. Review status: criteria provided, single submitter. Criteria: ACMG Guidelines, 2015. Collection method: research. Allele origin: germline.

Blueprint Genetics
Classification: Uncertain significance. Last evaluated: 2022-11-11. Review status: criteria provided, single submitter. Criteria: ACMG Guidelines, 2015. Collection method: clinical testing. Allele origin: germline.

Revvity Omics, Revvity
Classification: Uncertain significance. Last evaluated: 2022-01-21. Review status: criteria provided, single submitter. Criteria: ACMG Guidelines, 2015. Collection method: clinical testing. Allele origin: germline.